The following is an entry in ClinVar:

NM_015160.3(PMPCA):c.803G>A (p.Arg268Gln)

Genes: PMPCA (peptidase, mitochondrial processing subunit alpha; plus strand), LOC126860792 (CDK7 strongly-dependent group 2 enhancer GRCh37_chr9:139310410-139311609; plus strand). Cytogenetic location: 9q34.3.
Variant type: single nucleotide variant.
Coding change: c.803G>A on transcript NM_015160.3 (MANE Select); coding-DNA position 803, G replaced by A.
Protein change: p.Arg268Gln; replaces arginine 268 with glutamine.
Molecular consequence: missense variant.
Genome position (GRCh38, 1-based): chr9:136,417,120, G>A. VCF-style: chr9-136417120-G-A. GRCh37 (hg19) VCF-style: chr9-139311572-G-A.
Other names: c.410G>A, p.Arg137Gln (NM_001282944.2); c.503G>A, p.Arg168Gln (NM_001282946.2); short protein forms R268Q, R168Q, R137Q.
Identifiers: ClinVar variation 1027948 (VCV001027948.2), dbSNP rs758146224, ClinGen allele CA5336166.

ClinVar aggregate classification (germline): Uncertain significance. Review status: criteria provided, multiple submitters, no conflicts (2 of 4 stars). 2 submissions from 2 submitters: Uncertain significance (2). Last evaluated 2025-10-18.

Conditions:
Inborn genetic diseases. Identifiers: MedGen C0950123, MeSH D030342.
Autosomal recessive spinocerebellar ataxia 2. Also called: CEREBELLAR GRANULAR CELL HYPOPLASIA AND MENTAL RETARDATION, CONGENITAL; CEREBELLAR HYPOPLASIA, NONPROGRESSIVE NORMAN TYPE; CEREBELLOPARENCHYMAL DISORDER III; CPD III. Identifiers: Orphanet 1170, MedGen C1859298, MONDO:0008943, OMIM 213200.

Allele frequency attached by ClinVar (database versions not stated): TOPMed 0.00009; gnomAD 0.00011 and 0.00010; gnomAD exomes 0.00002; ExAC 0.00003.
gnomAD v4.1: 39 of 1,613,572 alleles (0.0024%); highest among the groups gnomAD compares: African/African-American, 0.027%; no homozygotes.

Submissions (2):

Ambry Genetics
Classification: Uncertain significance for Inborn genetic diseases. Last evaluated: 2025-10-18. Review status: criteria provided, single submitter. Criteria: Ambry Variant Classification Scheme 2023. Collection method: clinical testing. Allele origin: germline.

Baylor Genetics
Classification: Uncertain significance for Autosomal recessive spinocerebellar ataxia 2. Last evaluated: 2019-11-20. Review status: criteria provided, single submitter. Criteria: ACMG Guidelines, 2015. Collection method: clinical testing. Allele origin: unknown. Affected: yes.
Comment: This variant was determined to be of uncertain significance according to ACMG Guidelines, 2015 [PMID:25741868].